The following is an entry in ClinVar:

ClinVar aggregate classification (germline): Uncertain significance. Review status: criteria provided, multiple submitters, no conflicts (2 of 4 stars). 2 submissions from 2 submitters: Uncertain significance (2). Last evaluated 2024-04-30.

Conditions:
Cardiovascular phenotype. Identifiers: MedGen CN230736.
Catecholaminergic polymorphic ventricular tachycardia 1. Also called: RYR2-Related Catecholaminergic Polymorphic Ventricular Tachycardia; VENTRICULAR TACHYCARDIA, CATECHOLAMINERGIC POLYMORPHIC, 1, WITH OR WITHOUT ATRIAL DYSFUNCTION AND/OR DILATED CARDIOMYOPATHY; VENTRICULAR TACHYCARDIA, STRESS-INDUCED POLYMORPHIC 1. Identifiers: Orphanet 3286, MedGen C1631597, MONDO:0011484, OMIM 604772.

Allele frequency attached by ClinVar (database versions not stated): gnomAD exomes below 0.00001; TOPMed 0.00001.
gnomAD v4.1: 1 of 1,612,606 alleles (0.000062%); highest among the groups gnomAD compares: African/African-American, 0.0013%; no homozygotes.

Submissions (2):

Labcorp Genetics (formerly Invitae), Labcorp
Classification: Uncertain significance for Catecholaminergic polymorphic ventricular tachycardia 1. Last evaluated: 2024-04-30. Review status: criteria provided, single submitter. Criteria: Invitae Variant Classification Sherloc (09022015). Collection method: clinical testing. Allele origin: germline.
Comment: This sequence change replaces leucine, which is neutral and non-polar, with valine, which is neutral and non-polar, at codon 3320 of the RYR2 protein (p.Leu3320Val). This variant is not present in population databases (gnomAD no frequency). This variant has not been reported in the literature in individuals affected with RYR2-related conditions. ClinVar contains an entry for this variant (Variation ID: 571752). Advanced modeling of protein sequence and biophysical properties (such as structural, functional, and spatial information, amino acid conservation, physicochemical variation, residue mobility, and thermodynamic stability) performed at Invitae indicates that this missense variant is not expected to disrupt RYR2 protein function with a negative predictive value of 95%. In summary, the available evidence is currently insufficient to determine the role of this variant in disease. Therefore, it has been classified as a Variant of Uncertain Significance.

Ambry Genetics
Classification: Uncertain significance for Cardiovascular phenotype. Last evaluated: 2022-11-01. Review status: criteria provided, single submitter. Criteria: Ambry Variant Classification Scheme 2023. Collection method: clinical testing. Allele origin: germline.
Comment: The p.L3320V variant (also known as c.9958T>G), located in coding exon 69 of the RYR2 gene, results from a T to G substitution at nucleotide position 9958. The leucine at codon 3320 is replaced by valine, an amino acid with highly similar properties. This amino acid position is well conserved in available vertebrate species. In addition, this alteration is predicted to be tolerated by in silico analysis. Since supporting evidence is limited at this time, the clinical significance of this alteration remains unclear.

NM_001035.3(RYR2):c.9958T>G (p.Leu3320Val)

Gene: RYR2 (ryanodine receptor 2; plus strand). Cytogenetic location: 1q43.
Variant type: single nucleotide variant.
Coding change: c.9958T>G on transcript NM_001035.3 (MANE Select); coding-DNA position 9958, T replaced by G.
Protein change: p.Leu3320Val; replaces leucine 3320 with valine.
Molecular consequence: missense variant.
Genome position (GRCh38, 1-based): chr1:237,708,914, T>G. VCF-style: chr1-237708914-T-G. GRCh37 (hg19) VCF-style: chr1-237872214-T-G.
Other names: c.9958T>G, p.Leu3320Val (LRG_402t1); short protein forms L3320V.
Identifiers: ClinVar variation 571752 (VCV000571752.14), dbSNP rs986776770, ClinGen allele CA39793399.